The following is an entry in ClinVar:

ClinVar aggregate classification (germline): Uncertain significance (1 of 4 stars; one submission).

Allele frequency attached by ClinVar (database versions not stated): gnomAD exomes below 0.00001; ExAC 0.00001.
gnomAD v4.1: 2 of 1,614,118 alleles (0.00012%); highest among the groups gnomAD compares: Admixed American, 0.0033%; no homozygotes.

Submission:

Labcorp Genetics (formerly Invitae), Labcorp
Classification: Uncertain significance. Last evaluated: 2022-01-05. Review status: criteria provided, single submitter. Criteria: Invitae Variant Classification Sherloc (09022015). Collection method: clinical testing. Allele origin: germline.
Comment: This sequence change replaces alanine, which is neutral and non-polar, with glycine, which is neutral and non-polar, at codon 358 of the SETBP1 protein (p.Ala358Gly). This variant is present in population databases (rs778212759, gnomAD 0.006%). In summary, the available evidence is currently insufficient to determine the role of this variant in disease. Therefore, it has been classified as a Variant of Uncertain Significance. Algorithms developed to predict the effect of missense changes on protein structure and function (SIFT, PolyPhen-2, Align-GVGD) all suggest that this variant is likely to be tolerated. This variant has not been reported in the literature in individuals affected with SETBP1-related conditions.

NM_015559.3(SETBP1):c.1073C>G (p.Ala358Gly)

Gene: SETBP1 (SET binding protein 1; plus strand). Cytogenetic location: 18q12.3.
Variant type: single nucleotide variant.
Coding change: c.1073C>G on transcript NM_015559.3 (MANE Select); coding-DNA position 1073, C replaced by G.
Protein change: p.Ala358Gly; replaces alanine 358 with glycine.
Molecular consequence: missense variant.
Genome position (GRCh38, 1-based): chr18:44,950,413, C>G. VCF-style: chr18-44950413-C-G. GRCh37 (hg19) VCF-style: chr18-42530378-C-G.
Other names: c.1073C>G, p.Ala358Gly (NM_001379141.1, NM_001379142.1, NM_001410862.1); short protein forms A358G.
Identifiers: ClinVar variation 2075549 (VCV002075549.4), dbSNP rs778212759, ClinGen allele CA8945546.